The following is an entry in ClinVar:

ClinVar aggregate classification (germline): Uncertain significance (1 of 4 stars; one submission).

Conditions:
Hypotonia, ataxia, and delayed development syndrome (HADDS). Also called: EBF3 Neurodevelopmental Disorder. Identifiers: Orphanet 658843, MedGen C4310618, MONDO:0015021, OMIM 617330.

gnomAD v4.1: 1 of 1,614,096 alleles (0.000062%); highest among the groups gnomAD compares: East Asian, 0.0022%; no homozygotes.

Submission:

Juno Genomics, Hangzhou Juno Genomics, Inc
Classification: Uncertain significance for Hypotonia, ataxia, and delayed development syndrome. Review status: criteria provided, single submitter. Criteria: ACMG Guidelines, 2015. Collection method: clinical testing. Allele origin: germline.
Comment: Absent from controls (or at extremely low frequency if recessive) in Genome Aggregation Database.;Protein length changes due to in-frame deletions/insertions in a non-repeat region or stop-loss variants.

NM_001375380.1(EBF3):c.1890G>C (p.Ter630Tyr)

Gene: EBF3 (EBF transcription factor 3; minus strand). Cytogenetic location: 10q26.3.
Variant type: single nucleotide variant.
Coding change: c.1890G>C on transcript NM_001375380.1 (MANE Select); coding-DNA position 1890, G replaced by C.
Protein change: p.Ter630Tyr.
Molecular consequence: stop lost. On other transcripts: missense variant (4).
Genome position (GRCh38, 1-based): chr10:129,837,943, C>G on the plus strand (G>C on the coding strand, the complement: EBF3 is on the minus strand). VCF-style: chr10-129837943-C-G. GRCh37 (hg19) VCF-style: chr10-131636207-C-G.
Other names: c.1642G>C, p.Val548Leu (NM_001005463.3); c.1777G>C, p.Val593Leu (NM_001375379.1); c.1782G>C, p.Ter594Tyr (NM_001375389.1); c.1755G>C, p.Ter585Tyr (NM_001375390.1); c.1669G>C, p.Val557Leu (NM_001375391.1); c.1561G>C, p.Val521Leu (NM_001375392.1); short protein forms V521L, V548L, V557L, V593L.
Identifiers: ClinVar variation 5018729 (VCV005018729.2).